The following is an entry in ClinVar:

NM_015978.3(TNNI3K):c.682+5G>A

Genes: FPGT-TNNI3K (FPGT-TNNI3K readthrough; plus strand), TNNI3K (TNNI3 interacting kinase; plus strand). Cytogenetic location: 1p31.1.
Variant type: single nucleotide variant.
Coding change: c.682+5G>A on transcript NM_015978.3 (MANE Select); 5 bases into the intron after coding-DNA position 682, G replaced by A.
Molecular consequence: intron variant.
Genome position (GRCh38, 1-based): chr1:74,336,154, G>A. VCF-style: chr1-74336154-G-A. GRCh37 (hg19) VCF-style: chr1-74801838-G-A.
Other names: c.985+5G>A (NM_001112808.3, NM_001199327.2).
Identifiers: ClinVar variation 2192753 (VCV002192753.4), dbSNP rs1660451753, ClinGen allele CA1176118766.
Genomic context (GRCh38, chr1:74,336,154, plus strand): 5'-AAAAGGATTCTTGAATATTGCAAAACTCTTGATGGAAGAAGGCAGCAAAGCAGATGGTAA[G>A]ATTATATATTTAAAAGACCTTTGCTATCATTTGCTTTATGTATACCTTTTACTTGTACTT-3'

ClinVar aggregate classification (germline): Uncertain significance (1 of 4 stars; one submission).

gnomAD v4.1: 2 of 1,592,400 alleles (0.00013%); highest among the groups gnomAD compares: Non-Finnish European, 0.000085%; no homozygotes.

Submission:

Labcorp Genetics (formerly Invitae), Labcorp
Classification: Uncertain significance. Last evaluated: 2024-10-18. Review status: criteria provided, single submitter. Criteria: Invitae Variant Classification Sherloc (09022015). Collection method: clinical testing. Allele origin: germline.
Comment: This sequence change falls in intron 7 of the TNNI3K gene. It does not directly change the encoded amino acid sequence of the TNNI3K protein. It affects a nucleotide within the consensus splice site. This variant is not present in population databases (gnomAD no frequency). This variant has not been reported in the literature in individuals affected with TNNI3K-related conditions. ClinVar contains an entry for this variant (Variation ID: 2192753). Variants that disrupt the consensus splice site are a relatively common cause of aberrant splicing (PMID: 17576681, 9536098). Algorithms developed to predict the effect of sequence changes on RNA splicing suggest that this variant is not likely to affect RNA splicing. In summary, the available evidence is currently insufficient to determine the role of this variant in disease. Therefore, it has been classified as a Variant of Uncertain Significance.

Literature cited by the submitters: PubMed 17576681; PubMed 9536098.